The following is an entry in ClinVar:

NM_007294.4(BRCA1):c.3773_3781dup (p.Leu1261Ter)

Genes: BRCA1 (BRCA1 DNA repair associated; minus strand), LOC126862571 (BRD4-independent group 4 enhancer GRCh37_chr17:41243136-41244335; plus strand). Cytogenetic location: 17q21.31.
Variant type: Duplication.
Coding change: c.3773_3781dup on transcript NM_007294.4 (MANE Select); coding-DNA positions 3773 to 3781, 9 bases duplicated (AGAATTTAT; older notation c.3773_3781dupAGAATTTAT).
Protein change: p.Leu1261Ter; replaces leucine 1261 with a stop codon.
Molecular consequence: nonsense. On other transcripts: intron variant (135).
Genome position (GRCh38, 1-based): chr17:43,091,750-43,091,758, ATAAATTCT duplicated on the plus strand (AGAATTTAT on the coding strand, the reverse complement: BRCA1 is on the minus strand). VCF-style (leftmost placement, unchanged base first): chr17-43091749-A-AATAAATTCT. GRCh37 (hg19) VCF-style: chr17-41243766-A-AATAAATTCT.
Other names: c.3650_3658dup, p.Leu1220Ter (NM_001407863.1, NM_001407648.1, NM_001407664.1 and 19 more transcripts); c.3569_3577dup, p.Leu1193Ter (NM_001407874.1, NM_001407875.1); c.3563_3571dup, p.Leu1191Ter (NM_001407879.1, NM_001407881.1, NM_001407900.1 and 13 more transcripts); c.3560_3568dup, p.Leu1190Ter (NM_001407898.1, NM_001407894.1, NM_001407895.1 and 9 more transcripts); c.3773_3781dup, p.Leu1261Ter (NM_001407581.1, NM_001407582.1, NM_001407583.1 and 30 more transcripts); c.3770_3778dup, p.Leu1260Ter (NM_001407587.1, NM_001407590.1, NM_001407591.1 and 22 more transcripts); c.3764_3772dup, p.Leu1258Ter (NM_001407646.1, NM_001407647.1); c.3647_3655dup, p.Leu1219Ter (NM_001407649.1, NM_001407670.1, NM_001407671.1 and 11 more transcripts); and 41 more; short protein forms L1093*, L1191*, L1213*, L1260*, L1261*, L1133*, L1134*, L1149*.
Identifiers: ClinVar variation 2824395 (VCV002824395.3), dbSNP rs2552137126, ClinGen allele CA2739265616.
Genomic context (GRCh38, chr17:43,091,749, plus strand): 5'-TGAGATGCCTTTGCCAATATTACCTGGTTACTGCAGTCATTTAAGCTATTCTTCAATGAT[A>AATAAATTCT]ATAAATTCTCCTCTGTGTTCTTAGACAGACACTCGGTAGCAACGGTGCTATGCCTAGTAG-3'

ClinVar aggregate classification (germline): Pathogenic (1 of 4 stars; one submission).

Conditions:
Hereditary breast ovarian cancer syndrome. Also called: Hereditary breast and/or ovarian cancer syndrome; Hereditary breast and ovarian cancer; Hereditary breast and ovarian cancer syndrome; Breast and ovarian cancer; Hereditary breast and ovarian cancer syndrome (HBOC); BRCA1- and BRCA2-Associated Hereditary Breast and Ovarian Cancer. Identifiers: Orphanet 145, MedGen C0677776, MeSH D061325, MONDO:0003582. Disease mechanism: loss of function.

Submission:

Labcorp Genetics (formerly Invitae), Labcorp
Classification: Pathogenic for Hereditary breast ovarian cancer syndrome. Last evaluated: 2023-01-22. Review status: criteria provided, single submitter. Criteria: Invitae Variant Classification Sherloc (09022015). Collection method: clinical testing. Allele origin: germline.
Comment: This sequence change creates a premature translational stop signal (p.Leu1261*) in the BRCA1 gene. It is expected to result in an absent or disrupted protein product. Loss-of-function variants in BRCA1 are known to be pathogenic (PMID: 20104584). This variant is not present in population databases (gnomAD no frequency). For these reasons, this variant has been classified as Pathogenic. This premature translational stop signal has been observed in individual(s) with a personal or family history of cancer (PMID: 19656164).

Literature cited by the submitters: PubMed 20104584; PubMed 19656164.